The following is an entry in ClinVar:

ClinVar aggregate classification (germline): Uncertain significance. Review status: criteria provided, multiple submitters, no conflicts (2 of 4 stars). 4 submissions from 4 submitters: Uncertain significance (4). Last evaluated 2025-04-28.

Conditions:
Proteinuria, chronic benign. Identifiers: MedGen C5394384, MONDO:0030042, OMIM 618884.
Imerslund-Grasbeck syndrome type 1 (IGS1). Also called: Imerslund-Gräsbeck syndrome 1; Megaloblastic anemia 1, Finnish type; MEGALOBLASTIC ANEMIA, 1. Identifiers: MedGen C4016819, MONDO:0100156, OMIM 261100.
Inborn genetic diseases. Identifiers: MedGen C0950123, MeSH D030342.
Imerslund-Grasbeck syndrome. Also called: PERNICIOUS ANEMIA, JUVENILE, DUE TO SELECTIVE INTESTINAL MALABSORPTION OF VITAMIN B12, WITH PROTEINURIA; Megaloblastic anemia due to inborn errors of metabolism; ENTEROCYTE COBALAMIN MALABSORPTION; ENTEROCYTE INTRINSIC FACTOR RECEPTOR, DEFECT OF; Imerslund-Gräsbeck syndrome. Identifiers: Orphanet 35858, MedGen C4551825, MONDO:0009853.

Allele frequency attached by ClinVar (database versions not stated): gnomAD exomes 0.00002; ExAC 0.00001.
gnomAD v4.1: 31 of 1,613,662 alleles (0.0019%); highest among the groups gnomAD compares: Admixed American, 0.0067%; no homozygotes.

Submissions (4):

Ambry Genetics
Classification: Uncertain significance for Inborn genetic diseases. Last evaluated: 2025-04-28. Review status: criteria provided, single submitter. Criteria: Ambry Variant Classification Scheme 2023. Collection method: clinical testing. Allele origin: germline.

Mayo Clinic Laboratories, Mayo Clinic
Classification: Uncertain significance. Last evaluated: 2024-06-12. Review status: criteria provided, single submitter. Criteria: ACMG Guidelines, 2015. Collection method: clinical testing. Allele origin: germline. Observed: 1 variant allele.
Comment: BP4

Fulgent Genetics
Classification: Uncertain significance for Imerslund-Grasbeck syndrome type 1; Proteinuria, chronic benign. Last evaluated: 2024-02-06. Review status: criteria provided, single submitter. Criteria: ACMG Guidelines, 2015. Collection method: clinical testing. Allele origin: germline.

Labcorp Genetics (formerly Invitae), Labcorp
Classification: Uncertain significance for Imerslund-Grasbeck syndrome. Last evaluated: 2022-11-29. Review status: criteria provided, single submitter. Criteria: Invitae Variant Classification Sherloc (09022015). Collection method: clinical testing. Allele origin: germline.
Comment: This variant is present in population databases (rs770772474, gnomAD 0.003%). This variant has not been reported in the literature in individuals affected with CUBN-related conditions. This sequence change replaces alanine, which is neutral and non-polar, with threonine, which is neutral and polar, at codon 1920 of the CUBN protein (p.Ala1920Thr). ClinVar contains an entry for this variant (Variation ID: 1486054). Advanced modeling of protein sequence and biophysical properties (such as structural, functional, and spatial information, amino acid conservation, physicochemical variation, residue mobility, and thermodynamic stability) performed at Invitae indicates that this missense variant is not expected to disrupt CUBN protein function. In summary, the available evidence is currently insufficient to determine the role of this variant in disease. Therefore, it has been classified as a Variant of Uncertain Significance.

NM_001081.4(CUBN):c.5758G>A (p.Ala1920Thr)

Gene: CUBN (cubilin; minus strand). Cytogenetic location: 10p13.
Variant type: single nucleotide variant.
Coding change: c.5758G>A on transcript NM_001081.4 (MANE Select); coding-DNA position 5758, G replaced by A.
Protein change: p.Ala1920Thr; replaces alanine 1920 with threonine.
Molecular consequence: missense variant.
Genome position (GRCh38, 1-based): chr10:16,937,760, C>T on the plus strand (G>A on the coding strand, the complement: CUBN is on the minus strand). VCF-style: chr10-16937760-C-T. GRCh37 (hg19) VCF-style: chr10-16979759-C-T.
Other names: p.Ala1920Thr; c.5758G>A (NM_001081.3); short protein forms A1920T.
Identifiers: ClinVar variation 1486054 (VCV001486054.10), dbSNP rs770772474, ClinGen allele CA5423914.